The following is an entry in ClinVar:

ClinVar aggregate classification (germline): Pathogenic. Review status: reviewed by expert panel (3 of 4 stars). 31 submissions from 31 submitters: Pathogenic (1). 30 of the submissions do not count toward it. Last evaluated 2024-11-26.

Conditions:
Familial colorectal cancer type X. Identifiers: Orphanet 440437, MedGen C3896578, MONDO:0018604.
ATM-related disorder. Also called: ATM-related disorders; ATM-related condition.
ATM-related cancer predisposition. Also called: ATM-related cancer susceptibility. Identifiers: MedGen CN377759, MONDO:0700270.
Breast and/or ovarian cancer. Identifiers: MedGen CN221562.
Familial cancer of breast. Also called: Hereditary breast cancer; hereditary breast carcinoma; BREAST CANCER, FAMILIAL. Identifiers: Orphanet 227535, MedGen C0346153, MONDO:0016419, OMIM 114480. Disease mechanism: loss of function.
Ataxia-telangiectasia syndrome (AT). Also called: ATAXIA-TELANGIECTASIA, COMPLEMENTATION GROUP A; ATAXIA-TELANGIECTASIA, FRESNO VARIANT; Ataxia-telangiectasia; Ataxia-telangiectasia, complementation group D; AT, COMPLEMENTATION GROUP C; Ataxia-telangiectasia, complementation group E. Identifiers: Orphanet 100, MedGen C0004135, MONDO:0008840, OMIM 208900.
Hereditary cancer-predisposing syndrome. Also called: Tumor predisposition; Hereditary neoplastic syndrome; Hereditary Cancer Syndrome; Neoplastic Syndromes, Hereditary. Identifiers: Orphanet 140162, MedGen C0027672, MeSH D009386, MONDO:0015356.

Allele frequency attached by ClinVar (database versions not stated): gnomAD exomes 0.00002 and 0.00004; TOPMed 0.00002; gnomAD 0.00003 and 0.00004; ExAC 0.00005; ESP Exome Variant Server 0.00008.

Submissions 1 to 10 of 31:

ClinGen Hereditary Breast, Ovarian and Pancreatic Cancer Variant Curation Expert Panel, ClinGen
Classification: Pathogenic for ATM-related cancer predisposition. Last evaluated: 2024-11-26. Review status: reviewed by expert panel. Criteria: ClinGen HBOP ACMG Specifications ATM V1.3.0. Collection method: curation. Allele origin: germline. Inheritance: Autosomal dominant inheritance.
Comment: The c.1402_1403del (p.Lys468Glufs*18) variant in ATM is a frameshift variant in a biologically-relevant-exon predicted to cause a premature stop codon leading to nonsense mediated decay in a gene in which loss-of-function is an established disease mechanism. This alteration results in a termination codon upstream of the most C-terminus pathogenic alteration (ATM p.Arg3047*), as classified by the HBOP VCEP, and is expected to be more deleterious. This variant has been detected in at least 3 individuals with Ataxia-Telangiectasia (PMID: 23807571, 26896183, 31691010). The highest population minor allele frequency in gnomAD v2.1.1 is 0.0003 in the East Asian population (PM2_Supporting, BS1, and BA1 are not met). In summary, this variant meets criteria to be classified as pathogenic for autosomal dominant ATM-related cancer predisposition and autosomal recessive Ataxia-Telangiectasia based on the ACMG/AMP criteria applied as specified by the HBOP Variant Curation Expert Panel. (PVS1, PM5_Supporting, PM3_Strong)

Labcorp Genetics (formerly Invitae), Labcorp
Classification: Pathogenic for Ataxia-telangiectasia syndrome. Last evaluated: 2026-01-26. Review status: criteria provided, single submitter. Criteria: Invitae Variant Classification Sherloc (09022015). Collection method: clinical testing. Allele origin: germline. Not counted in ClinVar's aggregate classification.
Comment: This sequence change creates a premature translational stop signal (p.Lys468Glufs*18) in the ATM gene. It is expected to result in an absent or disrupted protein product. Loss-of-function variants in ATM are known to be pathogenic (PMID: 23807571, 25614872). This variant is present in population databases (rs587781347, gnomAD 0.03%). This premature translational stop signal has been observed in individual(s) with ataxia-telangiectasia and breast, rectal, prostate or ovarian cancer (PMID: 9792409, 12552559, 20308662, 22649200, 23322442, 24733792, 25892863, 26094658, 27433846, 30322717, 31815095). ClinVar contains an entry for this variant (Variation ID: 140889). For these reasons, this variant has been classified as Pathogenic.

Medical and Scientific Branch, Hong Kong Genome Institute
Classification: Pathogenic for Familial cancer of breast. Last evaluated: 2026-01-26. Review status: criteria provided, single submitter. Criteria: ACMG Guidelines, 2015. Collection method: clinical testing. Allele origin: unknown. Affected: yes. Not counted in ClinVar's aggregate classification.

Natera, Inc.
Classification: Pathogenic for Ataxia-telangiectasia. Last evaluated: 2026-01-12. Review status: criteria provided, single submitter. Criteria: Natera Variant Classification Schema (03/2026). Collection method: clinical testing. Allele origin: germline. Not counted in ClinVar's aggregate classification.
Comment: The c.1402_1403delAA variant in ATM is a frameshift variant predicted to shift the reading frame beginning at codon 468 and leads to a stop codon 18 codons downstream. This variant is expected to result in nonsense mediated decay, truncation, or a dysfunctional protein product. This variant is rare in the general population with a frequency below the threshold expected for the associated phenotype(s). This variant has been observed in one or more individuals affected with the associated recessive disease, as either homozygous or compound heterozygous with a second variant (PMID: 31691010). Given the available evidence, this variant is classified as Pathogenic.

PreventionGenetics, part of Exact Sciences
Classification: Pathogenic for ATM-related condition. Last evaluated: 2025-11-24. Review status: criteria provided, single submitter. Criteria: ACMG Guidelines, 2015. Collection method: clinical testing. Allele origin: germline. Not counted in ClinVar's aggregate classification.
Comment: The ATM c.1402_1403delAA variant is predicted to result in a frameshift and premature protein termination (p.Lys468Glufs*18). This variant has previously been reported in individuals with autosomal recessive ataxia telangiectasia (Broeks et al. 1998. PubMed ID: 9792409; Lin et al. 2010. PubMed ID: 20308662), breast cancer (Kurian et al. 2014. PubMed ID: 24733792; Aloraifi et al. 2015. PubMed ID: 26094658), and non-polyposis colorectal cancer (Zhang et al. 2015. PubMed ID: 25892863). This variant is reported in 0.030% of alleles in individuals of East Asian descent in gnomAD and is interpreted as pathogenic by the ClinGen Hereditary Breast, Ovarian and Pancreatic Cancer Variant Curation Expert Panel in ClinVar (Variation ID: 140889). Frameshift variants in ATM are expected to be pathogenic. This variant is interpreted as pathogenic.

CeGaT Center for Human Genetics Tuebingen
Classification: Pathogenic. Last evaluated: 2025-11-01. Review status: criteria provided, single submitter. Criteria: CeGaT Center For Human Genetics Tuebingen Variant Classification Criteria Version 2. Collection method: clinical testing. Allele origin: germline. Affected: yes. Observed: 1 variant allele. Not counted in ClinVar's aggregate classification.
Comment: ATM: PVS1, PM2, PM3, PP4

GeneKor MSA
Classification: Pathogenic for Hereditary cancer-predisposing syndrome. Last evaluated: 2025-06-25. Review status: criteria provided, single submitter. Criteria: ACMG Guidelines, 2015. Collection method: clinical testing. Allele origin: germline. Affected: yes. Not counted in ClinVar's aggregate classification.
Comment: This variant is a deletion of two nucleotides bases at exon 10 of ATM gene (c.1402_1403del), causing a translational frameshift with a predicted alternate stop codon after 18 nucleotide residues -p.(Lys468Glufs*18). This results in the production of a truncated, non-functional protein. Loss-of-function variants in ATM are known to be pathogenic (PMID:23807571, 25614872). This variant is present in population databases (rs587781347) and ClinVar contain entries for this variant (VCV000140889.52). This alteration has been described in patients with breast and/or ovarian cancer (PMID:24733792, 26094658, 30322717, 31815095), as well as in patients with Ataxia-telangiectasia (A-T), in homozygosity or compound heterozygosity (PMID:9792409, 12552559, 23322442, 22649200, 20308662). Based on the classification criteria set by the ACMG and AMP (PMID:25741868) this variant has been classified as pathogenic.

Quest Diagnostics Nichols Institute San Juan Capistrano
Classification: Pathogenic. Last evaluated: 2025-04-04. Review status: criteria provided, single submitter. Criteria: Quest Diagnostics criteria. Collection method: clinical testing. Allele origin: unknown. Not counted in ClinVar's aggregate classification.
Comment: The ATM c.1402_1403del (p.Lys468Glufs*18) variant alters the translational reading frame of the ATM mRNA and causes the premature termination of ATM protein synthesis. This variant has been reported in the published literature in individuals affected with breast and/or ovarian cancer (PMIDs: 31815095 (2019), 26094658 (2015), 24733792 (2014)), and ataxia telangiectasia (PMIDs: 23322442 (2013), 23726790 (2013), 22649200 (2012), 21665257 (2011)). The frequency of this variant in the general population (Genome Aggregation Database) is consistent with pathogenicity. Based on the available information, this variant is classified as pathogenic.

Center for Genomic Medicine, Rigshospitalet, Copenhagen University Hospital
Classification: Pathogenic. Last evaluated: 2025-03-04. Review status: criteria provided, single submitter. Criteria: ACMG Guidelines, 2015. Collection method: clinical testing. Allele origin: germline. Not counted in ClinVar's aggregate classification.

Blueprint Genetics
Classification: Pathogenic for ATM-related disorders. Last evaluated: 2024-10-31. Review status: criteria provided, single submitter. Criteria: ACMG Guidelines, 2015. Collection method: clinical testing. Allele origin: germline. Affected: yes. Observed: 4 variant alleles. Not counted in ClinVar's aggregate classification.

NM_000051.4(ATM):c.1402_1403del (p.Lys468fs)

Gene: ATM (ATM serine/threonine kinase; plus strand). Cytogenetic location: 11q22.3.
Variant type: Deletion.
Coding change: c.1402_1403del on transcript NM_000051.4 (MANE Select); coding-DNA positions 1402 to 1403, 2 bases deleted (AA; older notation c.1402_1403delAA).
Protein change: p.Lys468fs; shifts the reading frame from lysine 468.
Molecular consequence: frameshift variant.
Genome position (GRCh38, 1-based): chr11:108,250,867-108,250,868, AA deleted. VCF-style (leftmost placement, unchanged base first): chr11-108250866-CAA-C. GRCh37 (hg19) VCF-style: chr11-108121593-CAA-C.
Other names: NM_000051.4(ATM):c.1402_1403del; p.Lys468fs; c.1402_1403del (NM_000051.2); c.1402_1403delAA (NM_000051.3, NM_000051.4); c.1402_1403del, p.Lys468fs (NM_001351834.2); short protein forms K468fs.
Identifiers: ClinVar variation 140889 (VCV000140889.65), dbSNP rs587781347, ClinGen allele CA163840.